The following is an entry in ClinVar:

NM_032119.4(ADGRV1):c.3103A>G (p.Met1035Val)

Gene: ADGRV1 (adhesion G protein-coupled receptor V1; plus strand). Cytogenetic location: 5q14.3.
Variant type: single nucleotide variant.
Coding change: c.3103A>G on transcript NM_032119.4 (MANE Select); coding-DNA position 3103, A replaced by G.
Protein change: p.Met1035Val; replaces methionine 1035 with valine.
Molecular consequence: missense variant. On other transcripts: non-coding transcript variant (1).
Genome position (GRCh38, 1-based): chr5:90,647,578, A>G. VCF-style: chr5-90647578-A-G. GRCh37 (hg19) VCF-style: chr5-89943395-A-G.
Other names: short protein forms M1035V.
Identifiers: ClinVar variation 1925349 (VCV001925349.3), dbSNP rs1426978028, ClinGen allele CA360393295.

ClinVar aggregate classification (germline): Uncertain significance (1 of 4 stars; one submission).

Allele frequency attached by ClinVar (database versions not stated): gnomAD 0.00001.

Submission:

Labcorp Genetics (formerly Invitae), Labcorp
Classification: Uncertain significance. Last evaluated: 2022-02-27. Review status: criteria provided, single submitter. Criteria: Invitae Variant Classification Sherloc (09022015). Collection method: clinical testing. Allele origin: germline.
Comment: This variant is present in population databases (no rsID available, gnomAD 0.007%). In summary, the available evidence is currently insufficient to determine the role of this variant in disease. Therefore, it has been classified as a Variant of Uncertain Significance. Algorithms developed to predict the effect of missense changes on protein structure and function (SIFT, PolyPhen-2, Align-GVGD) all suggest that this variant is likely to be tolerated. This variant has not been reported in the literature in individuals affected with ADGRV1-related conditions. This sequence change replaces methionine, which is neutral and non-polar, with valine, which is neutral and non-polar, at codon 1035 of the ADGRV1 protein (p.Met1035Val).